The following is an entry in ClinVar:

NM_001136219.3(FCGR2A):c.879C>T (p.Pro293=)

Gene: FCGR2A (Fc gamma receptor IIa; plus strand). Cytogenetic location: 1q23.3.
Variant type: single nucleotide variant.
Coding change: c.879C>T on transcript NM_001136219.3 (MANE Select); coding-DNA position 879, C replaced by T.
Protein change: p.Pro293=; no amino-acid change (proline 293 retained).
Molecular consequence: synonymous variant.
Genome position (GRCh38, 1-based): chr1:161,518,073, C>T. VCF-style: chr1-161518073-C-T. GRCh37 (hg19) VCF-style: chr1-161487863-C-T.
Other names: c.756C>T, p.Pro252= (NM_001375296.1); c.753C>T, p.Pro251= (NM_001375297.1); c.876C>T, p.Pro292= (NM_021642.5).
Identifiers: ClinVar variation 402855 (VCV000402855.5), dbSNP rs12029217, ClinGen allele CA1210813.

ClinVar aggregate classification (germline): Benign. Review status: criteria provided, multiple submitters, no conflicts (2 of 4 stars). 2 submissions from 2 submitters: Benign (2). Last evaluated 2016-03-28.

Allele frequency attached by ClinVar (database versions not stated): gnomAD 0.08621 and 0.08823; ESP Exome Variant Server 0.08708; gnomAD exomes 0.10792 and 0.11451; 1000 Genomes Project 30x 0.11259; ExAC 0.11371; 1000 Genomes Project 0.12121.
gnomAD v4.1: 171,166 of 1,609,480 alleles (11%); highest among the groups gnomAD compares: East Asian, 23%; 6,199 homozygotes.

Submissions (2):

Laboratory for Molecular Medicine, Mass General Brigham Personalized Medicine
Classification: Benign. Last evaluated: 2016-03-28. Review status: criteria provided, single submitter. Criteria: LMM Criteria. Collection method: clinical testing. Allele origin: germline.
Comment: Variant identified in a genome or exome case(s) and assessed due to predicted null impact of the variant or pathogenic assertions in the literature or databases. Disclaimer: This variant has not undergone full assessment. The following are preliminary notes: Frequency

Breakthrough Genomics
Classification: Benign. Review status: criteria provided, single submitter. Criteria: ACMG Guidelines, 2015. Collection method: not provided. Allele origin: germline. Inheritance: Autosomal recessive inheritance. Affected: yes.